The following is an entry in ClinVar:

NM_020964.3(EPG5):c.3948C>A (p.Phe1316Leu)

Gene: EPG5 (ectopic P-granules 5 autophagy tethering factor; minus strand). Cytogenetic location: 18q21.1.
Variant type: single nucleotide variant.
Coding change: c.3948C>A on transcript NM_020964.3 (MANE Select); coding-DNA position 3948, C replaced by A.
Protein change: p.Phe1316Leu; replaces phenylalanine 1316 with leucine.
Molecular consequence: missense variant.
Genome position (GRCh38, 1-based): chr18:45,912,325, G>T on the plus strand (C>A on the coding strand, the complement: EPG5 is on the minus strand). VCF-style: chr18-45912325-G-T. GRCh37 (hg19) VCF-style: chr18-43492290-G-T.
Other names: c.3948C>A, p.Phe1316Leu (NM_001410858.1, NM_001410859.1); short protein forms F1316L.
Identifiers: ClinVar variation 2098155 (VCV002098155.4), dbSNP rs2511793608, ClinGen allele CA402340575.

ClinVar aggregate classification (germline): Uncertain significance (1 of 4 stars; one submission).

Conditions:
Vici syndrome (VICIS). Identifiers: Orphanet 1493, MedGen C1855772, MONDO:0009452, OMIM 242840.

Submission:

Labcorp Genetics (formerly Invitae), Labcorp
Classification: Uncertain significance for Vici syndrome. Last evaluated: 2022-02-18. Review status: criteria provided, single submitter. Criteria: Invitae Variant Classification Sherloc (09022015). Collection method: clinical testing. Allele origin: germline.
Comment: This sequence change replaces phenylalanine, which is neutral and non-polar, with leucine, which is neutral and non-polar, at codon 1316 of the EPG5 protein (p.Phe1316Leu). This variant is not present in population databases (gnomAD no frequency). This variant has not been reported in the literature in individuals affected with EPG5-related conditions. Algorithms developed to predict the effect of missense changes on protein structure and function are either unavailable or do not agree on the potential impact of this missense change (SIFT: "Tolerated"; PolyPhen-2: "Probably Damaging"; Align-GVGD: "Class C0"). In summary, the available evidence is currently insufficient to determine the role of this variant in disease. Therefore, it has been classified as a Variant of Uncertain Significance.